The following is an entry in ClinVar:

ClinVar aggregate classification (germline): Uncertain significance. Review status: criteria provided, multiple submitters, no conflicts (2 of 4 stars). 3 submissions from 3 submitters: Uncertain significance (3). Last evaluated 2025-12-08.

Conditions:
Pseudohypoaldosteronism type 2E (PHA2E). Also called: Pseudohypoaldosteronism Type IIE. Identifiers: Orphanet 300530, Orphanet 757, MedGen C3469606, MONDO:0013782, OMIM 614496.
Neurodevelopmental disorder with or without autism or seizures (NEDAUS). Identifiers: MedGen C5543225, MONDO:0030994, OMIM 619239.

gnomAD v4.1: 14 of 1,613,084 alleles (0.00087%); highest among the groups gnomAD compares: Non-Finnish European, 0.0012%; no homozygotes.

Submissions (3):

Labcorp Genetics (formerly Invitae), Labcorp
Classification: Uncertain significance. Last evaluated: 2025-12-08. Review status: criteria provided, single submitter. Criteria: Invitae Variant Classification Sherloc (09022015). Collection method: clinical testing. Allele origin: germline.
Comment: This sequence change replaces arginine, which is basic and polar, with cysteine, which is neutral and slightly polar, at codon 153 of the CUL3 protein (p.Arg153Cys). This variant is not present in population databases (gnomAD no frequency). This missense change has been observed in individual(s) with a neurodevelopmental disorder (PMID: 33004838). ClinVar contains an entry for this variant (Variation ID: 3585720). Invitae Evidence Modeling of protein sequence and biophysical properties (such as structural, functional, and spatial information, amino acid conservation, physicochemical variation, residue mobility, and thermodynamic stability) has been performed for this missense variant. However, the output from this modeling did not meet the statistical confidence thresholds required to predict the impact of this variant on CUL3 protein function. In summary, the available evidence is currently insufficient to determine the role of this variant in disease. Therefore, it has been classified as a Variant of Uncertain Significance.

CeGaT Center for Human Genetics Tuebingen
Classification: Uncertain significance. Last evaluated: 2025-09-01. Review status: criteria provided, single submitter. Criteria: CeGaT Center For Human Genetics Tuebingen Variant Classification Criteria Version 2. Collection method: clinical testing. Allele origin: germline. Affected: yes. Observed: 1 variant allele.
Comment: CUL3: PP2, PP3

Fulgent Genetics
Classification: Uncertain significance for Pseudohypoaldosteronism type 2E; Neurodevelopmental disorder with or without autism or seizures. Last evaluated: 2024-01-03. Review status: criteria provided, single submitter. Criteria: ACMG Guidelines, 2015. Collection method: clinical testing. Allele origin: germline.

Literature cited by the submitters: PubMed 33004838 (cited by Labcorp Genetics (formerly Invitae), Labcorp).

NM_003590.5(CUL3):c.457C>T (p.Arg153Cys)

Gene: CUL3 (cullin 3; minus strand). Cytogenetic location: 2q36.2.
Variant type: single nucleotide variant.
Coding change: c.457C>T on transcript NM_003590.5 (MANE Select); coding-DNA position 457, C replaced by T.
Protein change: p.Arg153Cys; replaces arginine 153 with cysteine.
Molecular consequence: missense variant.
Genome position (GRCh38, 1-based): chr2:224,514,694, G>A on the plus strand (C>T on the coding strand, the complement: CUL3 is on the minus strand). VCF-style: chr2-224514694-G-A. GRCh37 (hg19) VCF-style: chr2-225379411-G-A.
Other names: c.259C>T, p.Arg87Cys (NM_001257197.2); c.475C>T, p.Arg159Cys (NM_001257198.2); short protein forms R153C, R159C, R87C.
Identifiers: ClinVar variation 3585720 (VCV003585720.9).